The following is an entry in ClinVar:

NM_001365951.3(KIF1B):c.*2732G>C

Gene: KIF1B (kinesin family member 1B; plus strand). Cytogenetic location: 1p36.22.
Variant type: single nucleotide variant.
Coding change: c.*2732G>C on transcript NM_001365951.3 (MANE Select); 2732 bases downstream of the stop codon, G replaced by C.
Molecular consequence: 3 prime UTR variant.
Genome position (GRCh38, 1-based): chr1:10,379,319, G>C. VCF-style: chr1-10379319-G-C. GRCh37 (hg19) VCF-style: chr1-10439377-G-C.
Other names: c.*2732G>C (NM_001365952.1, NM_015074.3).
Identifiers: ClinVar variation 876237 (VCV000876237.4), dbSNP rs190725532, ClinGen allele CA17859376.
Genomic context (GRCh38, chr1:10,379,319, plus strand): 5'-GTTTGGAAAGTCTTTGCTTTGGAAGCGTCAGACATTAGAACAGGCCAAACTGGACTGTCT[G>C]TTCATAGCGTGCCTGAATAAGAAGGCCTCTTAGGGAGCCAGAGGGAGCAGAGTGGTCGTG-3'

ClinVar aggregate classification (germline): Benign (1 of 4 stars; one submission).

Conditions:
Neuroblastoma (NB). Identifiers: Orphanet 635, MedGen C0027819, MeSH D009447, MONDO:0005072, HP:0003006.

Allele frequency attached by ClinVar (database versions not stated): gnomAD exomes 0.00068; 1000 Genomes Project 0.00220; 1000 Genomes Project 30x 0.00250; gnomAD 0.00303 and 0.00331; TOPMed 0.00344.
gnomAD v4.1: 519 of 231,326 alleles (0.22%); highest among the groups gnomAD compares: African/African-American, 1.1%; 2 homozygotes.

Submission:

Illumina Laboratory Services, Illumina
Classification: Benign for Neuroblastoma. Last evaluated: 2018-01-13. Review status: criteria provided, single submitter. Criteria: ICSL Variant Classification Criteria 13 December 2019. Collection method: clinical testing. Allele origin: germline.
Comment: This variant was observed in the ICSL laboratory as part of a predisposition screen in an ostensibly healthy population. It had not been previously curated by ICSL or reported in the Human Gene Mutation Database (HGMD: prior to June 1st, 2018), and was therefore a candidate for classification through an automated scoring system. Utilizing variant allele frequency, disease prevalence and penetrance estimates, and inheritance mode, an automated score was calculated to assess if this variant is too frequent to cause the disease. Based on the score and internal cut-off values, a variant classified as benign is not then subjected to further curation. The score for this variant resulted in a classification of benign for this disease.